The following is an entry in ClinVar:

ClinVar aggregate classification (germline): Uncertain significance (1 of 4 stars; one submission).

Allele frequency attached by ClinVar (database versions not stated): ExAC 0.00001.
gnomAD v4.1: 3 of 1,614,222 alleles (0.00019%); highest among the groups gnomAD compares: Non-Finnish European, 0.00025%; no homozygotes.

Submission:

Labcorp Genetics (formerly Invitae), Labcorp
Classification: Uncertain significance. Last evaluated: 2022-04-28. Review status: criteria provided, single submitter. Criteria: Invitae Variant Classification Sherloc (09022015). Collection method: clinical testing. Allele origin: germline.
Comment: In summary, the available evidence is currently insufficient to determine the role of this variant in disease. Therefore, it has been classified as a Variant of Uncertain Significance. Algorithms developed to predict the effect of missense changes on protein structure and function (SIFT, PolyPhen-2, Align-GVGD) all suggest that this variant is likely to be tolerated. This variant has not been reported in the literature in individuals affected with SLC7A14-related conditions. This variant is present in population databases (rs778697412, gnomAD 0.0009%). This sequence change replaces serine, which is neutral and polar, with glycine, which is neutral and non-polar, at codon 691 of the SLC7A14 protein (p.Ser691Gly).

NM_020949.3(SLC7A14):c.2071A>G (p.Ser691Gly)

Genes: SLC7A14-AS1 (SLC7A14 antisense RNA 1; plus strand), SLC7A14 (solute carrier family 7 member 14; minus strand). Cytogenetic location: 3q26.2.
Variant type: single nucleotide variant.
Coding change: c.2071A>G on transcript NM_020949.3 (MANE Select); coding-DNA position 2071, A replaced by G.
Protein change: p.Ser691Gly; replaces serine 691 with glycine.
Molecular consequence: missense variant. On other transcripts: non-coding transcript variant (3).
Genome position (GRCh38, 1-based): chr3:170,467,300, T>C on the plus strand (A>G on the coding strand, the complement: SLC7A14 is on the minus strand). VCF-style: chr3-170467300-T-C. GRCh37 (hg19) VCF-style: chr3-170185088-T-C.
Other names: short protein forms S691G.
Identifiers: ClinVar variation 2131019 (VCV002131019.4), dbSNP rs778697412, ClinGen allele CA2701514.